The following is an entry in ClinVar:

NM_014915.3(ANKRD26):c.599A>G (p.Lys200Arg)

Gene: ANKRD26 (ankyrin repeat domain 26; minus strand). Cytogenetic location: 10p12.1.
Variant type: single nucleotide variant.
Coding change: c.599A>G on transcript NM_014915.3 (MANE Select); coding-DNA position 599, A replaced by G.
Protein change: p.Lys200Arg; replaces lysine 200 with arginine.
Molecular consequence: missense variant.
Genome position (GRCh38, 1-based): chr10:27,092,445, T>C on the plus strand (A>G on the coding strand, the complement: ANKRD26 is on the minus strand). VCF-style: chr10-27092445-T-C. GRCh37 (hg19) VCF-style: chr10-27381374-T-C.
Other names: p.Lys200Arg; c.599A>G, p.Lys200Arg (NM_001256053.2); short protein forms K200R.
Identifiers: ClinVar variation 1337300 (VCV001337300.17), dbSNP rs150623081, ClinGen allele CA5448880.

ClinVar aggregate classification (germline): Conflicting classifications of pathogenicity. Review status: criteria provided, conflicting classifications (1 of 4 stars). 9 submissions from 9 submitters: Uncertain significance (6); Likely benign (2). 1 of the submissions does not count toward it. Last evaluated 2025-06-17.

Conditions:
ANKRD26-related disorder. Also called: ANKRD26-related condition.
Thrombocytopenia 2 (THC2). Also called: ANKRD26-Related Thrombocytopenia. Identifiers: Orphanet 268322, MedGen C1861185, MONDO:0008555, OMIM 188000.
Inborn genetic diseases. Identifiers: MedGen C0950123, MeSH D030342.

Allele frequency attached by ClinVar (database versions not stated): gnomAD exomes 0.00002 and 0.00005; ExAC 0.00006; TOPMed 0.00028; gnomAD 0.00030 and 0.00031; ESP Exome Variant Server 0.00034; 1000 Genomes Project 0.00060; 1000 Genomes Project 30x 0.00062.
gnomAD v4.1: 81 of 1,613,584 alleles (0.005%); highest among the groups gnomAD compares: African/African-American, 0.1%; no homozygotes.

Submissions (9):

St. Jude Molecular Pathology, St. Jude Children's Research Hospital
Classification: Uncertain significance for Thrombocytopenia 2. Last evaluated: 2025-06-17. Review status: criteria provided, single submitter. Criteria: St. Jude Assertion Criteria 2020. Collection method: clinical testing. Allele origin: germline.
Comment: The ANKRD26 c.599A>G (p.Lys200Arg) missense change has a maximum subpopulation frequency of 0.090% in gnomAD v2.1.1. This variant is not located in the 5' UTR. The in silico tool REVEL predicts a benign effect on protein function, but to our knowledge this prediction has not been confirmed by functional studies. To our knowledge, this variant has not been reported in individuals with ANKRD26-related thrombocytopenia. In summary, the evidence currently available is insufficient to determine the clinical significance of this variant. It has therefore been classified as of uncertain significance.

Labcorp Genetics (formerly Invitae), Labcorp
Classification: Likely benign. Last evaluated: 2025-06-08. Review status: criteria provided, single submitter. Criteria: Invitae Variant Classification Sherloc (09022015). Collection method: clinical testing. Allele origin: germline.

Ambry Genetics
Classification: Uncertain significance for Inborn genetic diseases. Last evaluated: 2024-12-08. Review status: criteria provided, single submitter. Criteria: Ambry Variant Classification Scheme 2023. Collection method: clinical testing. Allele origin: germline.
Comment: The p.K200R variant (also known as c.599A>G), located in coding exon 4 of the ANKRD26 gene, results from an A to G substitution at nucleotide position 599. The lysine at codon 200 is replaced by arginine, an amino acid with highly similar properties. This amino acid position is conserved. In addition, this alteration is predicted to be tolerated by in silico analysis. Based on the available evidence, the clinical significance of this variant remains unclear.

Blueprint Genetics
Classification: Likely benign. Last evaluated: 2024-03-05. Review status: criteria provided, single submitter. Criteria: ACMG Guidelines, 2015. Collection method: clinical testing. Allele origin: germline.

Mayo Clinic Laboratories, Mayo Clinic
Classification: Uncertain significance. Last evaluated: 2023-10-06. Review status: criteria provided, single submitter. Criteria: ACMG Guidelines, 2015. Collection method: clinical testing. Allele origin: germline. Observed: 15 variant alleles.
Comment: BP4

GeneDx
Classification: Uncertain significance. Last evaluated: 2022-09-08. Review status: criteria provided, single submitter. Criteria: GeneDx Variant Classification Process June 2021. Collection method: clinical testing. Allele origin: germline. Affected: yes.
Comment: In silico analysis supports that this missense variant does not alter protein structure/function; Has not been previously published as pathogenic or benign to our knowledge

Genetic Services Laboratory, University of Chicago
Classification: Uncertain significance. Last evaluated: 2019-07-24. Review status: criteria provided, single submitter. Criteria: ACMG Guidelines, 2015. Collection method: clinical testing. Allele origin: germline. Affected: no.

Breakthrough Genomics
Classification: Uncertain significance. Review status: criteria provided, single submitter. Criteria: ACMG Guidelines, 2015. Collection method: not provided. Allele origin: germline. Inheritance: Autosomal dominant inheritance. Affected: yes.

PreventionGenetics, part of Exact Sciences
Classification: Likely benign for ANKRD26-related condition. Last evaluated: 2023-12-26. Review status: no assertion criteria provided. Collection method: clinical testing. Allele origin: germline. Not counted in ClinVar's aggregate classification.
Comment: This variant is classified as likely benign based on ACMG/AMP sequence variant interpretation guidelines (Richards et al. 2015 PMID: 25741868, with internal and published modifications).